The following is an entry in ClinVar:

NM_004960.4(FUS):c.523+22C>T

Gene: FUS (FUS DNA/RNA binding protein; plus strand). Cytogenetic location: 16p11.2.
Variant type: single nucleotide variant.
Coding change: c.523+22C>T on transcript NM_004960.4 (MANE Select); 22 bases into the intron after coding-DNA position 523, C replaced by T.
Molecular consequence: intron variant.
Genome position (GRCh38, 1-based): chr16:31,184,418, C>T. VCF-style: chr16-31184418-C-T. GRCh37 (hg19) VCF-style: chr16-31195739-C-T.
Other names: c.511+34C>T (NM_001170937.1); c.520+22C>T (NM_001170634.1).
Identifiers: ClinVar variation 1295926 (VCV001295926.27), dbSNP rs118174709, ClinGen allele CA8023643.
Genomic context (GRCh38, chr16:31,184,418, plus strand): 5'-ACAGCAGCAGTGGTGGTGGAGGTGGAGGTGGAGGTGGAGGTGAGATGTCTTCAGCTTTGT[C>T]TGCAGCCCATTTTCTTTTTCTTTTTTTTTTTTTTTTTGAGACGGAGTCTTGCTCTGTCTC-3'

ClinVar aggregate classification (germline): Benign/Likely benign. Review status: criteria provided, multiple submitters, no conflicts (2 of 4 stars). 3 submissions from 3 submitters: Benign (2); Likely benign (1). Last evaluated 2026-10-01.

Allele frequency attached by ClinVar (database versions not stated): 1000 Genomes Project 0.00419; ESP Exome Variant Server 0.00431; 1000 Genomes Project 30x 0.00437; gnomAD 0.00529 and 0.00531; ExAC 0.00594; gnomAD exomes 0.00602.
gnomAD v4.1: 10,459 of 1,565,902 alleles (0.67%); highest among the groups gnomAD compares: Middle Eastern, 1.4%; 50 homozygotes.

Submissions (3):

CeGaT Center for Human Genetics Tuebingen
Classification: Likely benign. Last evaluated: 2026-10-01. Review status: criteria provided, single submitter. Criteria: CeGaT Center For Human Genetics Tuebingen Variant Classification Criteria Version 2. Collection method: clinical testing. Allele origin: germline. Affected: yes. Observed: 35 variant alleles.
Comment: FUS: BS2

GeneDx
Classification: Benign. Last evaluated: 2020-10-06. Review status: criteria provided, single submitter. Criteria: GeneDx Variant Classification Process June 2021. Collection method: clinical testing. Allele origin: germline. Affected: yes.

Breakthrough Genomics
Classification: Benign. Review status: criteria provided, single submitter. Criteria: ACMG Guidelines, 2015. Collection method: not provided. Allele origin: germline. Inheritance: Autosomal dominant inheritance. Affected: yes.